The following is an entry in ClinVar:

ClinVar aggregate classification (germline): Uncertain significance (1 of 4 stars; one submission).

Conditions:
Epilepsy, childhood absence, susceptibility to, 1. Also called: Epilepsy, childhood absence 1. Identifiers: Orphanet 64280, MedGen C1838604, MONDO:0020759, OMIM 600131.
Epilepsy, childhood absence, susceptibility to, 5. Identifiers: Orphanet 64280, MedGen C2677087, MONDO:0012843, OMIM 612269.

Submission:

Labcorp Genetics (formerly Invitae), Labcorp
Classification: Uncertain significance for Epilepsy, childhood absence, susceptibility to, 5; Epilepsy, childhood absence, susceptibility to, 1. Last evaluated: 2024-10-15. Review status: criteria provided, single submitter. Criteria: Invitae Variant Classification Sherloc (09022015). Collection method: clinical testing. Allele origin: germline.
Comment: This sequence change replaces isoleucine, which is neutral and non-polar, with methionine, which is neutral and non-polar, at codon 454 of the GABRB3 protein (p.Ile454Met). This variant is not present in population databases (gnomAD no frequency). This variant has not been reported in the literature in individuals affected with GABRB3-related conditions. ClinVar contains an entry for this variant (Variation ID: 1372092). Invitae Evidence Modeling of protein sequence and biophysical properties (such as structural, functional, and spatial information, amino acid conservation, physicochemical variation, residue mobility, and thermodynamic stability) indicates that this missense variant is not expected to disrupt GABRB3 protein function with a negative predictive value of 95%. In summary, the available evidence is currently insufficient to determine the role of this variant in disease. Therefore, it has been classified as a Variant of Uncertain Significance.

NM_000814.6(GABRB3):c.1362C>G (p.Ile454Met)

Gene: GABRB3 (gamma-aminobutyric acid type A receptor subunit beta3; minus strand). Cytogenetic location: 15q12.
Variant type: single nucleotide variant.
Coding change: c.1362C>G on transcript NM_000814.6 (MANE Select); coding-DNA position 1362, C replaced by G.
Protein change: p.Ile454Met; replaces isoleucine 454 with methionine.
Molecular consequence: missense variant.
Genome position (GRCh38, 1-based): chr15:26,547,853, G>C on the plus strand (C>G on the coding strand, the complement: GABRB3 is on the minus strand). VCF-style: chr15-26547853-G-C. GRCh37 (hg19) VCF-style: chr15-26793000-G-C.
Other names: c.1107C>G, p.Ile369Met (NM_001191320.2, NM_001278631.2); c.1149C>G, p.Ile383Met (NM_001191321.3); c.1362C>G, p.Ile454Met (NM_021912.5); short protein forms I369M, I454M, I383M.
Identifiers: ClinVar variation 1372092 (VCV001372092.6), dbSNP rs745449592, ClinGen allele CA391458520.